The following is an entry in ClinVar:

NM_203447.4(DOCK8):c.472C>G (p.Leu158Val)

Gene: DOCK8 (dedicator of cytokinesis 8; plus strand). Cytogenetic location: 9p24.3.
Variant type: single nucleotide variant.
Coding change: c.472C>G on transcript NM_203447.4 (MANE Select); coding-DNA position 472, C replaced by G.
Protein change: p.Leu158Val; replaces leucine 158 with valine.
Molecular consequence: missense variant.
Genome position (GRCh38, 1-based): chr9:304,648, C>G. VCF-style: chr9-304648-C-G. GRCh37 (hg19) VCF-style: chr9-304648-C-G.
Other names: c.268C>G, p.Leu90Val (NM_001190458.2, NM_001193536.2); short protein forms L158V, L90V.
Identifiers: ClinVar variation 1026975 (VCV001026975.10), dbSNP rs542942121, ClinGen allele CA4957251.

ClinVar aggregate classification (germline): Uncertain significance. Review status: criteria provided, multiple submitters, no conflicts (2 of 4 stars). 2 submissions from 2 submitters: Uncertain significance (2). Last evaluated 2024-08-10.

Conditions:
Combined immunodeficiency due to DOCK8 deficiency (HIES2). Also called: Hyper-IgE recurrent infection syndrome, autosomal recessive; DOCK8 Deficiency; HYPER-IgE RECURRENT INFECTION SYNDROME 2, AUTOSOMAL RECESSIVE; HYPER-IgE SYNDROME 2, AUTOSOMAL RECESSIVE, WITH RECURRENT INFECTIONS; HIES autosomal recessive. Identifiers: Orphanet 217390, MedGen C4722305, MONDO:0009478, OMIM 243700.

Allele frequency attached by ClinVar (database versions not stated): gnomAD 0.00001 and 0.00002; gnomAD exomes 0.00002 and 0.00004; TOPMed 0.00002; ExAC 0.00004.
gnomAD v4.1: 36 of 1,614,096 alleles (0.0022%); highest among the groups gnomAD compares: Middle Eastern, 0.066%; no homozygotes.

Submissions (2):

Labcorp Genetics (formerly Invitae), Labcorp
Classification: Uncertain significance for Combined immunodeficiency due to DOCK8 deficiency. Last evaluated: 2024-08-10. Review status: criteria provided, single submitter. Criteria: Invitae Variant Classification Sherloc (09022015). Collection method: clinical testing. Allele origin: germline.
Comment: This sequence change replaces leucine, which is neutral and non-polar, with valine, which is neutral and non-polar, at codon 158 of the DOCK8 protein (p.Leu158Val). This variant is present in population databases (rs542942121, gnomAD 0.006%). This variant has not been reported in the literature in individuals affected with DOCK8-related conditions. ClinVar contains an entry for this variant (Variation ID: 1026975). Advanced modeling of protein sequence and biophysical properties (such as structural, functional, and spatial information, amino acid conservation, physicochemical variation, residue mobility, and thermodynamic stability) performed at Invitae indicates that this missense variant is not expected to disrupt DOCK8 protein function with a negative predictive value of 80%. In summary, the available evidence is currently insufficient to determine the role of this variant in disease. Therefore, it has been classified as a Variant of Uncertain Significance.

GeneDx
Classification: Uncertain significance. Last evaluated: 2020-12-01. Review status: criteria provided, single submitter. Criteria: GeneDx Variant Classification Process June 2021. Collection method: clinical testing. Allele origin: germline. Affected: yes.
Comment: In silico analysis supports that this missense variant has a deleterious effect on protein structure/function; Has not been previously published as pathogenic or benign to our knowledge